The following is an entry in ClinVar:

NM_182641.4(BPTF):c.3412C>G (p.Gln1138Glu)

Gene: BPTF (bromodomain PHD finger transcription factor; plus strand). Cytogenetic location: 17q24.2.
Variant type: single nucleotide variant.
Coding change: c.3412C>G on transcript NM_182641.4 (MANE Select); coding-DNA position 3412, C replaced by G.
Protein change: p.Gln1138Glu; replaces glutamine 1138 with glutamic acid.
Molecular consequence: missense variant.
Genome position (GRCh38, 1-based): chr17:67,911,296, C>G. VCF-style: chr17-67911296-C-G. GRCh37 (hg19) VCF-style: chr17-65907412-C-G.
Other names: c.3412C>G (NM_182641.3); c.3790C>G, p.Gln1264Glu (NM_004459.7); short protein forms Q1264E, Q1138E.
Identifiers: ClinVar variation 711691 (VCV000711691.12), dbSNP rs73995064, ClinGen allele CA8725633.

ClinVar aggregate classification (germline): Benign. Review status: criteria provided, multiple submitters, no conflicts (2 of 4 stars). 3 submissions from 3 submitters: Benign (2). 1 of the submissions does not count toward it. Last evaluated 2026-01-17.

Conditions:
BPTF-related disorder. Also called: BPTF-related condition.

Allele frequency attached by ClinVar (database versions not stated): gnomAD exomes 0.00042 and 0.00117; ExAC 0.00149; 1000 Genomes Project 0.00439; gnomAD 0.00446 and 0.00472; 1000 Genomes Project 30x 0.00468; ESP Exome Variant Server 0.00484; TOPMed 0.00488.
gnomAD v4.1: 1,312 of 1,614,060 alleles (0.081%); highest among the groups gnomAD compares: African/African-American, 1.6%; 13 homozygotes.

Submissions (3):

Labcorp Genetics (formerly Invitae), Labcorp
Classification: Benign. Last evaluated: 2026-01-17. Review status: criteria provided, single submitter. Criteria: Invitae Variant Classification Sherloc (09022015). Collection method: clinical testing. Allele origin: germline.

Breakthrough Genomics
Classification: Benign. Review status: criteria provided, single submitter. Criteria: ACMG Guidelines, 2015. Collection method: not provided. Allele origin: germline. Inheritance: Autosomal dominant inheritance. Affected: yes.

PreventionGenetics, part of Exact Sciences
Classification: Benign for BPTF-related condition. Last evaluated: 2019-03-20. Review status: no assertion criteria provided. Collection method: clinical testing. Allele origin: germline. Not counted in ClinVar's aggregate classification.
Comment: This variant is classified as benign based on ACMG/AMP sequence variant interpretation guidelines (Richards et al. 2015 PMID: 25741868, with internal and published modifications).